The following is an entry in ClinVar:

ClinVar aggregate classification (germline): Uncertain significance. Review status: criteria provided, multiple submitters, no conflicts (2 of 4 stars). 2 submissions from 2 submitters: Uncertain significance (2). Last evaluated 2024-03-02.

Conditions:
Mitochondrial complex I deficiency, nuclear type 1. Also called: NADH-COENZYME Q REDUCTASE DEFICIENCY; MITOCHONDRIAL NADH DEHYDROGENASE COMPONENT OF COMPLEX I, DEFICIENCY OF. Identifiers: MedGen C6022305, MONDO:0100224, OMIM 252010.

gnomAD v4.1: 5 of 1,614,156 alleles (0.00031%); highest among the groups gnomAD compares: Admixed American, 0.0083%; no homozygotes.

Submissions (2):

Labcorp Genetics (formerly Invitae), Labcorp
Classification: Uncertain significance. Last evaluated: 2024-03-02. Review status: criteria provided, single submitter. Criteria: Invitae Variant Classification Sherloc (09022015). Collection method: clinical testing. Allele origin: germline.
Comment: This sequence change replaces aspartic acid, which is acidic and polar, with asparagine, which is neutral and polar, at codon 215 of the NDUFAF1 protein (p.Asp215Asn). This variant is present in population databases (no rsID available, gnomAD 0.01%). This variant has not been reported in the literature in individuals affected with NDUFAF1-related conditions. ClinVar contains an entry for this variant (Variation ID: 315876). Advanced modeling of protein sequence and biophysical properties (such as structural, functional, and spatial information, amino acid conservation, physicochemical variation, residue mobility, and thermodynamic stability) performed at Invitae indicates that this missense variant is not expected to disrupt NDUFAF1 protein function with a negative predictive value of 80%. In summary, the available evidence is currently insufficient to determine the role of this variant in disease. Therefore, it has been classified as a Variant of Uncertain Significance.

Illumina Laboratory Services, Illumina
Classification: Uncertain significance for Mitochondrial complex I deficiency, nuclear type 1. Last evaluated: 2018-01-12. Review status: criteria provided, single submitter. Criteria: ICSL Variant Classification Criteria 13 December 2019. Collection method: clinical testing. Allele origin: germline.

NM_016013.4(NDUFAF1):c.643G>A (p.Asp215Asn)

Gene: NDUFAF1 (NADH:ubiquinone oxidoreductase complex assembly factor 1; minus strand). Cytogenetic location: 15q15.1.
Variant type: single nucleotide variant.
Coding change: c.643G>A on transcript NM_016013.4 (MANE Select); coding-DNA position 643, G replaced by A.
Protein change: p.Asp215Asn; replaces aspartic acid 215 with asparagine.
Molecular consequence: missense variant. On other transcripts: non-coding transcript variant (1).
Genome position (GRCh38, 1-based): chr15:41,394,975, C>T on the plus strand (G>A on the coding strand, the complement: NDUFAF1 is on the minus strand). VCF-style: chr15-41394975-C-T. GRCh37 (hg19) VCF-style: chr15-41687173-C-T.
Other names: short protein forms D215N.
Identifiers: ClinVar variation 315876 (VCV000315876.7), dbSNP rs866015009, ClinGen allele CA10635972.